The following is an entry in ClinVar:

NM_000492.4(CFTR):c.4242+2T>C

Gene: CFTR (CF transmembrane conductance regulator; plus strand). Cytogenetic location: 7q31.2.
Variant type: single nucleotide variant.
Coding change: c.4242+2T>C on transcript NM_000492.4 (MANE Select); the canonical splice donor site of the intron after coding-DNA position 4242, T replaced by C.
Molecular consequence: splice donor variant.
Genome position (GRCh38, 1-based): chr7:117,665,566, T>C. VCF-style: chr7-117665566-T-C. GRCh37 (hg19) VCF-style: chr7-117305620-T-C.
Identifiers: ClinVar variation 35884 (VCV000035884.10), dbSNP rs193922526, ClinGen allele CA260252.

ClinVar aggregate classification (germline): Pathogenic/Likely pathogenic. Review status: criteria provided, multiple submitters, no conflicts (2 of 4 stars). 4 submissions from 4 submitters: Pathogenic (2); Likely pathogenic (2). Last evaluated 2025-09-11.

Conditions:
CFTR-related disorder (CFTR-RD). Also called: CFTR-related disorders; CFTR-related condition. Identifiers: MedGen C5924204, MONDO:7770004.
Cystic fibrosis (CF). Also called: MUCOVISCIDOSIS. Identifiers: Orphanet 586, MedGen C0010674, MONDO:0009061, OMIM 219700. Disease mechanism: loss of function.

Submissions (4):

Natera, Inc.
Classification: Pathogenic for CFTR-related disorders. Last evaluated: 2025-09-11. Review status: criteria provided, single submitter. Criteria: Natera Variant Classification Schema (03/2026). Collection method: clinical testing. Allele origin: germline.
Comment: The c.4242+2T>C variant in CFTR is a canonical splice donor site variant predicted to affect pre-mRNA splicing, which may result in an abnormal transcript and altered protein product. This variant is expected to result in nonsense mediated decay, truncation, or a dysfunctional protein product. This variant is rare in the general population with a frequency below the threshold expected for the associated phenotype(s). Another variant at this same site results in an alteration predicted to cause a similar molecular effect has been observed in individual(s) with the associated phenotype. Given the available evidence, this variant is classified as Pathogenic.

Labcorp Genetics (formerly Invitae), Labcorp
Classification: Pathogenic for Cystic fibrosis. Last evaluated: 2024-05-04. Review status: criteria provided, single submitter. Criteria: Invitae Variant Classification Sherloc (09022015). Collection method: clinical testing. Allele origin: germline.
Comment: This sequence change affects a donor splice site in intron 26 of the CFTR gene. While this variant is not anticipated to result in nonsense mediated decay, it likely alters RNA splicing and results in a disrupted protein product. This variant is not present in population databases (gnomAD no frequency). Disruption of this splice site has been observed in individual(s) with cystic fibrosis (PMID: 1379210, 7682196, 15074370). ClinVar contains an entry for this variant (Variation ID: 35884). Variants that disrupt the consensus splice site are a relatively common cause of aberrant splicing (PMID: 17576681, 9536098). Algorithms developed to predict the effect of sequence changes on RNA splicing suggest that this variant may disrupt the consensus splice site. For these reasons, this variant has been classified as Pathogenic.

Ambry Genetics
Classification: Likely pathogenic for Cystic fibrosis. Last evaluated: 2017-11-14. Review status: criteria provided, single submitter. Criteria: Ambry Variant Classification Scheme 2023. Collection method: clinical testing. Allele origin: germline.
Comment: The c.4242+2T>C intronic variant results from a T to C substitution two nucleotides after coding exon 26 in the CFTR gene. This nucleotide position is highly conserved in available vertebrate species. Using the BDGP and ESEfinder splice site prediction tools, this alteration is predicted to abolish the native splice donor site; however, direct evidence is unavailable. Alterations that disrupt the canonical splice site are expected to cause aberrant splicing, resulting in an abnormal protein or a transcript that is subject to nonsense-mediated mRNA decay. As such, this alteration is classified as likely pathogenic.

Women's Health and Genetics/Laboratory Corporation of America, LabCorp
Classification: Likely pathogenic for Cystic Fibrosis. Last evaluated: 2011-08-18. Review status: criteria provided, single submitter. Criteria: LabCorp Variant Classification Summary - May 2015. Collection method: curation. Allele origin: germline. Inheritance: autosomal unknown. Affected: yes.
ClinVar note: Converted during submission from likely pathogenic to Likely pathogenic.

Literature cited by the submitters: PubMed 1379210 (cited by Labcorp Genetics (formerly Invitae), Labcorp); PubMed 7682196 (cited by Labcorp Genetics (formerly Invitae), Labcorp); PubMed 15074370 (cited by Labcorp Genetics (formerly Invitae), Labcorp); PubMed 17576681 (cited by Labcorp Genetics (formerly Invitae), Labcorp); PubMed 9536098 (cited by Labcorp Genetics (formerly Invitae), Labcorp).